The following is an entry in ClinVar:

NM_174936.4(PCSK9):c.*75C>T

Gene: PCSK9 (proprotein convertase subtilisin/kexin type 9; plus strand). Cytogenetic location: 1p32.3.
Variant type: single nucleotide variant.
Coding change: c.*75C>T on transcript NM_174936.4 (MANE Select); 75 bases downstream of the stop codon, C replaced by T.
Molecular consequence: 3 prime UTR variant.
Genome position (GRCh38, 1-based): chr1:55,063,659, C>T. VCF-style: chr1-55063659-C-T. GRCh37 (hg19) VCF-style: chr1-55529332-C-T.
Other names: c.*75C>T (NM_001407240.1, NM_001407241.1, NM_001407242.1 and 5 more transcripts).
Identifiers: ClinVar variation 265950 (VCV000265950.6), dbSNP rs28362287, ClinGen allele CA10588882.
Genomic context (GRCh38, chr1:55,063,659, plus strand): 5'-GATGGGTGTCTGGGGAGGGTCAAGGGCTGGGGCTGAGCTTTAAAATGGTTCCGACTTGTC[C>T]CTCTCTCAGCCCTCCATGGCCTGGCACGAGGGGATGGGGATGCTTCCGCCTTTCCGGGGC-3'

ClinVar aggregate classification (germline): Conflicting classifications of pathogenicity. Review status: criteria provided, conflicting classifications (1 of 4 stars). 3 submissions from 2 submitters: Uncertain significance (1); Benign (2). Last evaluated 2018-01-12.

Conditions:
Hypercholesterolemia, autosomal dominant, 3 (FHCL3). Also called: Familial Hypercholesterolemia, Autosomal Dominant, 3; PCSK9-Related Familial Hypercholesterolemia, Autosomal Dominant; Familial hypercholesterolemia 3. Identifiers: MedGen C1863551, MONDO:0011369, OMIM 603776.
Hypobetalipoproteinemia. Identifiers: Orphanet 31154, MedGen C0020597, MONDO:0017774.
Hypercholesterolemia, familial, 1. Also called: LDL RECEPTOR DISORDER; Hyperlipoproteinemia Type IIa; HYPER-LOW-DENSITY-LIPOPROTEINEMIA; HYPERCHOLESTEROLEMIC XANTHOMATOSIS, FAMILIAL; Fredrickson type IIa hyperlipoproteinemia; Hyperlipoproteinemia type 2. Identifiers: Orphanet 391665, MedGen C0745103, MONDO:0007750, OMIM 143890.

Allele frequency attached by ClinVar (database versions not stated): gnomAD 0.02276 and 0.02377; TOPMed 0.02322; 1000 Genomes Project 0.02476; 1000 Genomes Project 30x 0.02577.

Submissions (3):

Illumina Laboratory Services, Illumina
Classification: Benign for Hypobetalipoproteinemia. Last evaluated: 2018-01-12. Review status: criteria provided, single submitter. Criteria: ICSL Variant Classification Criteria 13 December 2019. Collection method: clinical testing. Allele origin: germline.
Comment: This variant was observed in the ICSL laboratory as part of a predisposition screen in an ostensibly healthy population. It had not been previously curated by ICSL or reported in the Human Gene Mutation Database (HGMD: prior to June 1st, 2018), and was therefore a candidate for classification through an automated scoring system. Utilizing variant allele frequency, disease prevalence and penetrance estimates, and inheritance mode, an automated score was calculated to assess if this variant is too frequent to cause the disease. Based on the score and internal cut-off values, a variant classified as benign is not then subjected to further curation. The score for this variant resulted in a classification of benign for this disease.

Illumina Laboratory Services, Illumina
Classification: Benign for Hypercholesterolemia, autosomal dominant, 3. Last evaluated: 2018-01-12. Review status: criteria provided, single submitter. Criteria: ICSL Variant Classification Criteria 13 December 2019. Collection method: clinical testing. Allele origin: germline.
Comment: the same text as in the submission from Illumina Laboratory Services, Illumina above.

Cardiovascular Research Group, Instituto Nacional de Saude Doutor Ricardo Jorge
Classification: Uncertain significance for Familial hypercholesterolemia. Last evaluated: 2016-03-01. Review status: criteria provided, single submitter. Criteria: ACMG Guidelines, 2015. Collection method: research. Allele origin: germline. Affected: yes.